The following is an entry in ClinVar:

NM_001267550.2(TTN):c.64810C>T (p.Arg21604Ter)

Genes: TTN (titin; minus strand), TTN-AS1 (TTN antisense RNA 1; plus strand). Cytogenetic location: 2q31.2.
Variant type: single nucleotide variant.
Coding change: c.64810C>T on transcript NM_001267550.2 (MANE Select); coding-DNA position 64810, C replaced by T.
Protein change: p.Arg21604Ter; replaces arginine 21604 with a stop codon.
Molecular consequence: nonsense. On other transcripts: non-coding transcript variant (1).
Genome position (GRCh38, 1-based): chr2:178,584,831, G>A on the plus strand (C>T on the coding strand, the complement: TTN is on the minus strand). VCF-style: chr2-178584831-G-A. GRCh37 (hg19) VCF-style: chr2-179449558-G-A.
Other names: c.59887C>T, p.Arg19963Ter (NM_001256850.1); c.37615C>T, p.Arg12539Ter (NM_003319.4); c.57106C>T, p.Arg19036Ter (NM_133378.4); c.37990C>T, p.Arg12664Ter (NM_133432.3); c.38191C>T, p.Arg12731Ter (NM_133437.4); short protein forms R19036*, R19963*, R21604*, R12539*, R12731*, R12664*.
Identifiers: ClinVar variation 1734677 (VCV001734677.10), dbSNP rs767011515, ClinGen allele CA60962232.

ClinVar aggregate classification (germline): Likely pathogenic. Review status: criteria provided, multiple submitters, no conflicts (2 of 4 stars). 4 submissions from 4 submitters: Likely pathogenic (3). 1 of the submissions does not count toward it. Last evaluated 2025-03-19.

Conditions:
Cardiovascular phenotype. Identifiers: MedGen CN230736.
Dilated cardiomyopathy 1G (CMD1G). Identifiers: Orphanet 154, MedGen C1858763, MONDO:0011400, OMIM 604145.
TTN-related disorder. Also called: TTN-related condition; TTN-related disease; TTN-related disorders.
Autosomal recessive limb-girdle muscular dystrophy type 2J (LGMDR10). Also called: Limb-girdle muscular dystrophy, type 2J; MUSCULAR DYSTROPHY, LIMB-GIRDLE, AUTOSOMAL RECESSIVE 10. Identifiers: Orphanet 140922, MedGen C1837342, MONDO:0012127, OMIM 608807.

Allele frequency attached by ClinVar (database versions not stated): TOPMed below 0.00001.
gnomAD v4.1: 2 of 1,613,330 alleles (0.00012%); highest among the groups gnomAD compares: Non-Finnish European, 0.00017%; no homozygotes.

Submissions (4):

Labcorp Genetics (formerly Invitae), Labcorp
Classification: Likely pathogenic for Dilated cardiomyopathy 1G; Autosomal recessive limb-girdle muscular dystrophy type 2J. Last evaluated: 2025-03-19. Review status: criteria provided, single submitter. Criteria: Invitae Variant Classification Sherloc (09022015). Collection method: clinical testing. Allele origin: germline.
Comment: This sequence change creates a premature translational stop signal (p.Arg21604*) in the TTN gene. While this is not anticipated to result in nonsense mediated decay, it is expected to disrupt the last 14388 amino acid(s) of the TTN protein. This variant is present in population databases (no rsID available, gnomAD 0.0009%). This premature translational stop signal has been observed in individual(s) with clinical features of TTN-related conditions (PMID: 30535219, 37767697). ClinVar contains an entry for this variant (Variation ID: 1734677). Algorithms developed to predict the effect of sequence changes on RNA splicing suggest that this variant may create or strengthen a splice site. This variant is located in the A band of TTN (PMID: 25589632). Truncating variants in this region are significantly overrepresented in patients affected with dilated cardiomyopathy (PMID: 25589632). Truncating variants in this region have also been reported in individuals affected with autosomal recessive centronuclear myopathy (PMID: 23975875). In summary, the currently available evidence indicates that the variant is pathogenic, but additional data are needed to prove that conclusively. Therefore, this variant has been classified as Likely Pathogenic.

Ambry Genetics
Classification: Likely pathogenic for Cardiovascular phenotype. Last evaluated: 2024-05-07. Review status: criteria provided, single submitter. Criteria: Ambry Variant Classification Scheme 2023. Collection method: clinical testing. Allele origin: germline.
Comment: The p.R12539* variant (also known as c.37615C>T), located in coding exon 137 of the TTN gene, results from a C to T substitution at nucleotide position 37615. This changes the amino acid from an arginine to a stop codon within coding exon 137. This exon is located in the A-band region of the N2-B isoform of the titin protein and is constitutively expressed in TTN transcripts (percent spliced in or PSI 100%). This alteration (also noted as p.R21604* (c.64810C>T)) has been reported in association with early-onset atrial fibrillation (Choi SH et al. JAMA, 2018 12;320:2354-2364). This alteration is expected to result in loss of function by premature protein truncation or nonsense-mediated mRNA decay. While truncating variants in TTN are present in 1-3% of the general population, truncating variants in the A-band are the most common cause of dilated cardiomyopathy (DCM) (Herman DS et al. N. Engl. J. Med., 2012 Feb;366:619-28; Roberts AM et al. Sci Transl Med, 2015 Jan;7:270ra6). TTN truncating variants encoded in constitutive exons (PSI >90%) have been found to be significantly associated with DCM regardless of their position in titin (Schafer S et al. Nat. Genet., 2017 01;49:46-53). This variant is also considered to be rare based on population cohorts in the Genome Aggregation Database (gnomAD). As such, this alteration is classified as likely pathogenic.

Blueprint Genetics
Classification: Likely pathogenic for TTN-related disorders. Last evaluated: 2018-04-27. Review status: criteria provided, single submitter. Criteria: ACMG Guidelines, 2015. Collection method: clinical testing. Allele origin: germline. Affected: yes. Observed: 2 variant alleles.

Cardiogenetics and Myogenetics Molecular and Cellular Functional Unit, Aphp Sorbonne University-Hopital Pitie Salpetriere
Classification: Likely pathogenic for Dilated cardiomyopathy 1G. Last evaluated: 2024-01-06. Review status: no assertion criteria provided. Collection method: clinical testing. Allele origin: germline. Affected: yes. Not counted in ClinVar's aggregate classification.

Literature cited by the submitters: PubMed 30535219 (cited by Labcorp Genetics (formerly Invitae), Labcorp and Ambry Genetics); PubMed 37767697 (cited by Labcorp Genetics (formerly Invitae), Labcorp); PubMed 25589632 (cited by Labcorp Genetics (formerly Invitae), Labcorp); PubMed 23975875 (cited by Labcorp Genetics (formerly Invitae), Labcorp).